The following is an entry in ClinVar:

ClinVar aggregate classification (germline): Likely benign (1 of 4 stars; one submission).

Submission:

CeGaT Center for Human Genetics Tuebingen
Classification: Likely benign. Last evaluated: 2022-12-01. Review status: criteria provided, single submitter. Criteria: CeGaT Center For Human Genetics Tuebingen Variant Classification Criteria Version 2. Collection method: clinical testing. Allele origin: germline. Affected: yes. Observed: 1 variant allele.
Comment: NHERF1: PM2:Supporting, BP4, BP7

NM_004252.5(NHERF1):c.261C>T (p.Arg87=)

Genes: NHERF1 (NHERF family PDZ scaffold protein 1; plus strand), SLC9A3R1-AS1 (SLC9A3R1 antisense RNA 1; minus strand). Cytogenetic location: 17q25.1.
Variant type: single nucleotide variant.
Coding change: c.261C>T on transcript NM_004252.5 (MANE Select); coding-DNA position 261, C replaced by T.
Protein change: p.Arg87=; no amino-acid change (arginine 87 retained).
Molecular consequence: synonymous variant. On other transcripts: non-coding transcript variant (1).
Genome position (GRCh38, 1-based): chr17:74,749,107, C>T. VCF-style: chr17-74749107-C-T. GRCh37 (hg19) VCF-style: chr17-72745246-C-T.
Identifiers: ClinVar variation 2648230 (VCV002648230.24), dbSNP rs2509890618, ClinGen allele CA502033103.